The following is an entry in ClinVar:

ClinVar aggregate classification (germline): Uncertain significance (1 of 4 stars; one submission).

Submission:

Labcorp Genetics (formerly Invitae), Labcorp
Classification: Uncertain significance. Last evaluated: 2021-06-01. Review status: criteria provided, single submitter. Criteria: Invitae Variant Classification Sherloc (09022015). Collection method: clinical testing. Allele origin: germline.
Comment: In summary, the available evidence is currently insufficient to determine the role of this variant in disease. Therefore, it has been classified as a Variant of Uncertain Significance. Algorithms developed to predict the effect of missense changes on protein structure and function (SIFT, PolyPhen-2, Align-GVGD) all suggest that this variant is likely to be tolerated, but these predictions have not been confirmed by published functional studies and their clinical significance is uncertain. This variant has not been reported in the literature in individuals with ADGRV1-related conditions. This variant is not present in population databases (ExAC no frequency). This sequence change replaces arginine with threonine at codon 4192 of the ADGRV1 protein (p.Arg4192Thr). The arginine residue is weakly conserved and there is a moderate physicochemical difference between arginine and threonine.

NM_032119.4(ADGRV1):c.12575G>C (p.Arg4192Thr)

Gene: ADGRV1 (adhesion G protein-coupled receptor V1; plus strand). Cytogenetic location: 5q14.3.
Variant type: single nucleotide variant.
Coding change: c.12575G>C on transcript NM_032119.4 (MANE Select); coding-DNA position 12575, G replaced by C.
Protein change: p.Arg4192Thr; replaces arginine 4192 with threonine.
Molecular consequence: missense variant. On other transcripts: non-coding transcript variant (1).
Genome position (GRCh38, 1-based): chr5:90,777,952, G>C. VCF-style: chr5-90777952-G-C. GRCh37 (hg19) VCF-style: chr5-90073769-G-C.
Other names: short protein forms R4192T.
Identifiers: ClinVar variation 1358260 (VCV001358260.8), dbSNP rs2150076610, ClinGen allele CA360387179.